The following is an entry in ClinVar:

NM_021813.4(BACH2):c.486GGA[2] (p.Glu164del)

Gene: BACH2 (BACH transcriptional regulator 2; minus strand). Cytogenetic location: 6q15.
Variant type: Microsatellite.
Coding change: c.486GGA[2] on transcript NM_021813.4 (MANE Select); two copies in a row of the 3-base unit GGA starting at c.486; the reference has three copies in a row; one copy, 3 bases deleted.
Protein change: p.Glu164del; deletes glutamic acid 164.
Molecular consequence: inframe deletion.
Genome position (GRCh38, 1-based): chr6:89,951,612-89,951,614, TCC deleted on the plus strand (GGA on the coding strand, the reverse complement: BACH2 is on the minus strand); deleting any 3 consecutive bases within chr6:89,951,612-89,951,622 gives the same sequence; the position shown is the placement nearest the transcript's 3' end. VCF-style (leftmost placement, unchanged base first): chr6-89951611-ATCC-A. GRCh37 (hg19) VCF-style: chr6-90661330-ATCC-A.
Other names: c.486GGA[2], p.Glu164del (NM_001170794.2); short protein forms E164del.
Identifiers: ClinVar variation 1391711 (VCV001391711.6), dbSNP rs754304276, ClinGen allele CA143342196.

ClinVar aggregate classification (germline): Uncertain significance (1 of 4 stars; one submission).

Submission:

Labcorp Genetics (formerly Invitae), Labcorp
Classification: Uncertain significance. Last evaluated: 2022-07-19. Review status: criteria provided, single submitter. Criteria: Invitae Variant Classification Sherloc (09022015). Collection method: clinical testing. Allele origin: germline.
Comment: In summary, the available evidence is currently insufficient to determine the role of this variant in disease. Therefore, it has been classified as a Variant of Uncertain Significance. Experimental studies and prediction algorithms are not available or were not evaluated, and the functional significance of this variant is currently unknown. This variant has not been reported in the literature in individuals affected with BACH2-related conditions. This variant is not present in population databases (gnomAD no frequency). This variant, c.492_494del, results in the deletion of 1 amino acid(s) of the BACH2 protein (p.Glu164del), but otherwise preserves the integrity of the reading frame.